The following is an entry in ClinVar:

NM_032043.3(BRIP1):c.1236del (p.Val413fs)

Gene: BRIP1 (BRCA1 interacting DNA helicase 1; minus strand). Cytogenetic location: 17q23.2.
Variant type: Deletion.
Coding change: c.1236del on transcript NM_032043.3 (MANE Select); coding-DNA position 1236, one base deleted (A; older notation c.1236delA).
Protein change: p.Val413fs; shifts the reading frame from valine 413.
Molecular consequence: frameshift variant.
Genome position (GRCh38, 1-based): chr17:61,799,204, T deleted on the plus strand (A on the coding strand, the reverse complement: BRIP1 is on the minus strand); the first of 2 consecutive T bases (chr17:61,799,204-61,799,205); deleting either gives the same sequence. VCF-style (leftmost placement, unchanged base first): chr17-61799203-CT-C. GRCh37 (hg19) VCF-style: chr17-59876564-CT-C.
Other names: c.1236delA (NM_032043.2); short protein forms V413fs.
Identifiers: ClinVar variation 216128 (VCV000216128.32), dbSNP rs863224525, ClinGen allele CA339406.

ClinVar aggregate classification (germline): Pathogenic. Review status: criteria provided, multiple submitters, no conflicts (2 of 4 stars). 15 submissions from 15 submitters: Pathogenic (12). 3 of the submissions do not count toward it. Last evaluated 2025-11-11.

Conditions:
Familial ovarian cancer. Identifiers: MedGen C5679802, MONDO:0016248.
Hereditary cancer-predisposing syndrome. Also called: Tumor predisposition; Hereditary Cancer Syndrome; Neoplastic Syndromes, Hereditary; Hereditary neoplastic syndrome. Identifiers: Orphanet 140162, MedGen C0027672, MeSH D009386, MONDO:0015356.
Familial cancer of breast. Also called: Hereditary breast cancer; BREAST CANCER, FAMILIAL; hereditary breast carcinoma. Identifiers: Orphanet 227535, MedGen C0346153, MONDO:0016419, OMIM 114480. Disease mechanism: loss of function.
Fanconi anemia complementation group J. Also called: BRIP1-Related Fanconi Anemia. Identifiers: Orphanet 84, MedGen C1836860, MONDO:0012187, OMIM 609054.

Submissions (15):

Labcorp Genetics (formerly Invitae), Labcorp
Classification: Pathogenic for Familial cancer of breast; Fanconi anemia complementation group J. Last evaluated: 2025-11-11. Review status: criteria provided, single submitter. Criteria: Invitae Variant Classification Sherloc (09022015). Collection method: clinical testing. Allele origin: germline.
Comment: This sequence change creates a premature translational stop signal (p.Val413Phefs*10) in the BRIP1 gene. It is expected to result in an absent or disrupted protein product. Loss-of-function variants in BRIP1 are known to be pathogenic (PMID: 16116423, 17033622, 21964575). This variant is present in population databases (no rsID available, gnomAD 0.002%). This premature translational stop signal has been observed in individual(s) with ovarian cancer (PMID: 26315354). ClinVar contains an entry for this variant (Variation ID: 216128). For these reasons, this variant has been classified as Pathogenic.

Ambry Genetics
Classification: Pathogenic for Hereditary cancer-predisposing syndrome. Last evaluated: 2025-06-10. Review status: criteria provided, single submitter. Criteria: Ambry Variant Classification Scheme 2023. Collection method: clinical testing. Allele origin: germline.
Comment: The c.1236delA pathogenic mutation, located in coding exon 8 of the BRIP1 gene, results from a deletion of one nucleotide at nucleotide position 1236, causing a translational frameshift with a predicted alternate stop codon (p.V413Ffs*10). This variant has been identified in multiple patients with ovarian cancer (Ramus SJ et al. J. Natl. Cancer Inst. 2015 Nov;107; (Norquist BM et al. JAMA Oncol. 2016 Apr;2:482-90). This variant is considered to be rare based on population cohorts in the Genome Aggregation Database (gnomAD). In addition to the clinical data presented in the literature, this alteration is expected to result in loss of function by premature protein truncation or nonsense-mediated mRNA decay. As such, this alteration is interpreted as a disease-causing mutation.

Catlab - Consorci Sanitari de Terrassa
Classification: Pathogenic for Hereditary cancer-predisposing syndrome. Last evaluated: 2025-03-05. Review status: criteria provided, single submitter. Criteria: ACMG Guidelines, 2015. Collection method: clinical testing. Allele origin: germline.
Comment: Based on currently available information, this variant should be considered as Pathogenic according to ACMG Richards 2015 guidelines. PVS1, PS4_mod, PM2_supp.

Institute of Human Genetics, University of Leipzig Medical Center
Classification: Pathogenic for Familial cancer of breast. Last evaluated: 2025-03-04. Review status: criteria provided, single submitter. Criteria: ACMG Guidelines, 2015. Collection method: clinical testing. Allele origin: unknown. Inheritance: Autosomal dominant inheritance. Affected: yes.
Comment: Criteria applied: PVS1,PS4_MOD

Molecular Pathology, Peter Maccallum Cancer Centre
Classification: Pathogenic for Familial ovarian cancer. Last evaluated: 2025-02-28. Review status: criteria provided, single submitter. Criteria: ACMG Guidelines, 2015. Collection method: clinical testing. Allele origin: germline. Inheritance: Autosomal dominant inheritance.

Laboratory of Genetics, Children's Clinical University Hospital Latvia
Classification: Pathogenic. Last evaluated: 2025-02-16. Review status: criteria provided, single submitter. Criteria: ACMG Guidelines, 2015. Collection method: clinical testing. Allele origin: germline. Affected: yes.

Fulgent Genetics
Classification: Pathogenic for Familial cancer of breast; Fanconi anemia complementation group J. Last evaluated: 2024-04-15. Review status: criteria provided, single submitter. Criteria: ACMG Guidelines, 2015. Collection method: clinical testing. Allele origin: germline.

Myriad Genetics, Inc.
Classification: Pathogenic for Familial cancer of breast. Last evaluated: 2023-06-01. Review status: criteria provided, single submitter. Criteria: Myriad Autosomal Dominant, Autosomal Recessive and X-Linked Classification Criteria (2023). Collection method: clinical testing. Allele origin: unknown.
Comment: This variant is considered pathogenic. This variant creates a frameshift predicted to result in premature protein truncation.

Color Diagnostics, LLC DBA Color Health
Classification: Pathogenic for Hereditary cancer-predisposing syndrome. Last evaluated: 2022-09-19. Review status: criteria provided, single submitter. Criteria: ACMG Guidelines, 2015. Collection method: clinical testing. Allele origin: germline.
Comment: This variant deletes 1 nucleotide in exon 9 of the BRIP1 gene, creating a frameshift and premature translation stop signal. This variant is expected to result in an absent or non-functional protein product. This variant has been reported in two individuals affected with ovarian cancer (PMID: 26315354, 26720728). This variant has been identified in 2/282514 chromosomes in the general population by the Genome Aggregation Database (gnomAD). Loss of BRIP1 function is a known mechanism of disease. Based on the available evidence, this variant is classified as Pathogenic.

Baylor Genetics
Classification: Pathogenic for Familial cancer of breast. Last evaluated: 2021-08-27. Review status: criteria provided, single submitter. Criteria: ACMG Guidelines, 2015. Collection method: clinical testing. Allele origin: unknown.

GeneDx
Classification: Pathogenic. Last evaluated: 2018-12-24. Review status: criteria provided, single submitter. Criteria: GeneDx Variant Classification (06012015). Collection method: clinical testing. Allele origin: germline. Affected: yes.
Comment: This deletion of one nucleotide in BRIP1 is denoted c.1236delA at the cDNA level and p.Val413PhefsX10 (V413FfsX10) at the protein level. The normal sequence, with the base that is deleted in brackets, is CAGA[delA]GTTC. The deletion causes a frameshift, which changes a Valine to a Phenylalanine at codon 413 and creates a premature stop codon at position 10 of the new reading frame. This variant is predicted to cause loss of normal protein function through either protein truncation or nonsense-mediated mRNA decay. BRIP1 c.1236delA has been reported in at least two individuals with ovarian cancer (Norquist 2015, Ramus 2015). We consider this variant to be pathogenic.

Quest Diagnostics Nichols Institute San Juan Capistrano
Classification: Pathogenic. Last evaluated: 2018-10-17. Review status: criteria provided, single submitter. Criteria: Quest Diagnostics criteria. Collection method: clinical testing. Allele origin: germline.
Comment: The variant results in a shift of the reading frame, and is therefore predicted to significantly disrupt the protein structure. Found in at least one symptomatic patient, and found in general population data that is consistent with pathogenicity.

Genome Diagnostics Laboratory, Amsterdam University Medical Center
Classification: Pathogenic. Review status: no assertion criteria provided. Collection method: clinical testing. Allele origin: germline. Affected: yes. Study: VKGL Data-share Consensus. Not counted in ClinVar's aggregate classification.

Genome Diagnostics Laboratory, University Medical Center Utrecht
Classification: Pathogenic. Review status: no assertion criteria provided. Collection method: clinical testing. Allele origin: germline. Affected: yes. Study: VKGL Data-share Consensus. Not counted in ClinVar's aggregate classification.

Joint Genome Diagnostic Labs from Nijmegen and Maastricht, Radboudumc and MUMC+
Classification: Pathogenic. Review status: no assertion criteria provided. Collection method: clinical testing. Allele origin: germline. Affected: yes. Study: VKGL Data-share Consensus. Not counted in ClinVar's aggregate classification.

Literature cited by the submitters: PubMed 16116423 (cited by Labcorp Genetics (formerly Invitae), Labcorp); PubMed 17033622 (cited by Labcorp Genetics (formerly Invitae), Labcorp); PubMed 21964575 (cited by Labcorp Genetics (formerly Invitae), Labcorp); PubMed 26315354 (cited by 4 submitters); PubMed 26720728 (cited by 3 submitters).